The following is an entry in ClinVar:

ClinVar aggregate classification (germline): Uncertain significance (1 of 4 stars; one submission).

Submission:

GeneDx
Classification: Uncertain significance. Last evaluated: 2023-11-18. Review status: criteria provided, single submitter. Criteria: GeneDx Variant Classification Process June 2021. Collection method: clinical testing. Allele origin: germline. Affected: yes.
Comment: Not observed at significant frequency in large population cohorts (gnomAD); In silico analysis supports that this missense variant does not alter protein structure/function; Has not been previously published as pathogenic or benign to our knowledge

NM_201599.3(ZMYM3):c.2861A>G (p.Asp954Gly)

Gene: ZMYM3 (zinc finger MYM-type containing 3; minus strand). Cytogenetic location: Xq13.1.
Variant type: single nucleotide variant.
Coding change: c.2861A>G on transcript NM_201599.3 (MANE Select); coding-DNA position 2861, A replaced by G.
Protein change: p.Asp954Gly; replaces aspartic acid 954 with glycine.
Molecular consequence: missense variant.
Genome position (GRCh38, 1-based): chrX:71,245,485, T>C on the plus strand (A>G on the coding strand, the complement: ZMYM3 is on the minus strand). VCF-style: chrX-71245485-T-C. GRCh37 (hg19) VCF-style: chrX-70465335-T-C.
Other names: c.2825A>G, p.Asp942Gly (NM_001171162.1); c.2861A>G, p.Asp954Gly (NM_005096.3); short protein forms D942G, D954G.
Identifiers: ClinVar variation 3364384 (VCV003364384.1).